The following is an entry in ClinVar:

ClinVar aggregate classification (germline): Uncertain significance (1 of 4 stars; one submission).

Conditions:
CEP164-related disorder. Also called: CEP164-related condition.

Submission:

PreventionGenetics, part of Exact Sciences
Classification: Uncertain significance for CEP164-related condition. Last evaluated: 2026-01-02. Review status: criteria provided, single submitter. Criteria: ACMG Guidelines, 2015. Collection method: clinical testing. Allele origin: germline.
Comment: The CEP164 c.3988A>G variant is predicted to result in the amino acid substitution p.Thr1330Ala. To our knowledge, this variant has not been reported in the literature or in a large population database (gnomAD), indicating this variant is rare. At this time, the clinical significance of this variant is uncertain due to the absence of conclusive functional and genetic evidence.

NM_014956.5(CEP164):c.3988A>G (p.Thr1330Ala)

Gene: CEP164 (centrosomal protein 164; plus strand). Cytogenetic location: 11q23.3.
Variant type: single nucleotide variant.
Coding change: c.3988A>G on transcript NM_014956.5 (MANE Select); coding-DNA position 3988, A replaced by G.
Protein change: p.Thr1330Ala; replaces threonine 1330 with alanine.
Molecular consequence: missense variant.
Genome position (GRCh38, 1-based): chr11:117,409,857, A>G. VCF-style: chr11-117409857-A-G. GRCh37 (hg19) VCF-style: chr11-117280573-A-G.
Other names: c.3973A>G, p.Thr1325Ala (NM_001271933.2); c.3994A>G, p.Thr1332Ala (NM_001440949.1); c.3988A>G, p.Thr1330Ala (NM_001440950.1, NM_001440951.1); c.3979A>G, p.Thr1327Ala (NM_001440952.1); c.3964A>G, p.Thr1322Ala (NM_001440953.1); c.3910A>G, p.Thr1304Ala (NM_001440954.1, NM_001440955.1); c.3901A>G, p.Thr1301Ala (NM_001440956.1); c.3898A>G, p.Thr1300Ala (NM_001440957.1); and 21 more; short protein forms T1226A, T1247A, T1254A, T1272A, T1284A, T1287A, T1296A, T1202A.
Identifiers: ClinVar variation 4995186 (VCV004995186.1).